The following is an entry in ClinVar:

ClinVar aggregate classification (germline): Uncertain significance (1 of 4 stars; one submission).

Conditions:
Dyskeratosis congenita. Identifiers: Orphanet 1775, MedGen C0265965, MONDO:0015780.

Allele frequency attached by ClinVar (database versions not stated): ExAC 0.00001; gnomAD exomes 0.00001.
gnomAD v4.1: 33 of 1,614,032 alleles (0.002%); highest among the groups gnomAD compares: Non-Finnish European, 0.0028%; no homozygotes.

Submission:

Labcorp Genetics (formerly Invitae), Labcorp
Classification: Uncertain significance for Dyskeratosis congenita. Last evaluated: 2023-10-13. Review status: criteria provided, single submitter. Criteria: Invitae Variant Classification Sherloc (09022015). Collection method: clinical testing. Allele origin: germline.
Comment: This sequence change replaces glutamine, which is neutral and polar, with lysine, which is basic and polar, at codon 147 of the NHP2 protein (p.Gln147Lys). This variant is present in population databases (rs779452625, gnomAD 0.002%). This variant has not been reported in the literature in individuals affected with NHP2-related conditions. ClinVar contains an entry for this variant (Variation ID: 1374273). An algorithm developed to predict the effect of missense changes on protein structure and function (PolyPhen-2) suggests that this variant is likely to be tolerated. In summary, the available evidence is currently insufficient to determine the role of this variant in disease. Therefore, it has been classified as a Variant of Uncertain Significance.

NM_017838.4(NHP2):c.439C>A (p.Gln147Lys)

Genes: RMND5B (required for meiotic nuclear division 5 homolog B; plus strand), NHP2 (NHP2 ribonucleoprotein; minus strand). Cytogenetic location: 5q35.3.
Variant type: single nucleotide variant.
Coding change: c.439C>A on transcript NM_017838.4 (MANE Select); coding-DNA position 439, C replaced by A.
Protein change: p.Gln147Lys; replaces glutamine 147 with lysine.
Molecular consequence: missense variant. On other transcripts: 3 prime UTR variant (5).
Genome position (GRCh38, 1-based): chr5:178,149,736, G>T on the plus strand (C>A on the coding strand, the complement: NHP2 is on the minus strand). VCF-style: chr5-178149736-G-T. GRCh37 (hg19) VCF-style: chr5-177576737-G-T.
Other names: c.*60C>A (NM_001034833.2, NM_001396110.1); c.*1704G>T (NM_001288794.2, NM_001288795.2, NM_022762.5); short protein forms Q147K.
Identifiers: ClinVar variation 1374273 (VCV001374273.6), dbSNP rs779452625, ClinGen allele CA3589101.